The following is an entry in ClinVar:

NM_003470.3(USP7):c.1214A>C (p.Gln405Pro)

Gene: USP7 (ubiquitin specific peptidase 7; minus strand). Cytogenetic location: 16p13.2.
Variant type: single nucleotide variant.
Coding change: c.1214A>C on transcript NM_003470.3 (MANE Select); coding-DNA position 1214, A replaced by C.
Protein change: p.Gln405Pro; replaces glutamine 405 with proline.
Molecular consequence: missense variant. On other transcripts: non-coding transcript variant (1).
Genome position (GRCh38, 1-based): chr16:8,908,398, T>G on the plus strand (A>C on the coding strand, the complement: USP7 is on the minus strand). VCF-style: chr16-8908398-T-G. GRCh37 (hg19) VCF-style: chr16-9002255-T-G.
Other names: c.1166A>C, p.Gln389Pro (NM_001286457.2); c.917A>C, p.Gln306Pro (NM_001286458.2); c.1040A>C, p.Gln347Pro (NM_001321858.2); short protein forms Q306P, Q347P, Q389P, Q405P.
Identifiers: ClinVar variation 5018073 (VCV005018073.1).
Genomic context (GRCh38, chr16:8,908,398, plus strand): 5'-TACCTATCATTGATCTTGATATTTTGGTCCGTCTGAGGGTCATACATAAATCTCATCAGT[T>G]GTAGATGTAACACTGGTGGCAATGTTAGGAATTTCACACCTTTCTCTGCTTCCTAAACAT-3'
Protein context (NP_003461.2, residues 395-415): FLTLPPVLHL[Gln405Pro]LMRFMYDPQT

ClinVar aggregate classification (germline): Uncertain significance (1 of 4 stars; one submission).

Submission:

GeneDx
Classification: Uncertain significance. Last evaluated: 2026-03-31. Review status: criteria provided, single submitter. Criteria: GeneDx Variant Classification Process June 2021. Collection method: clinical testing. Allele origin: germline.
Comment: Not observed at significant frequency in large population cohorts (gnomAD); In silico analysis supports that this missense variant has a deleterious effect on protein structure/function; Has not been previously published as pathogenic or benign to our knowledge.